The following is an entry in ClinVar:

ClinVar aggregate classification (germline): Uncertain significance (1 of 4 stars; one submission).

Conditions:
Optic atrophy 3 (OPA3). Also called: OPTIC ATROPHY 3, AUTOSOMAL DOMINANT; Optic atrophy, cataract, and neurologic disorder; Optic atrophy 3 with cataract. Identifiers: Orphanet 67036, MedGen C1833809, MONDO:0008133, OMIM 165300.
3-Methylglutaconic aciduria type 3 (MGCA3). Also called: OPA3, AUTOSOMAL RECESSIVE; OPTIC ATROPHY 3, AUTOSOMAL RECESSIVE; OPA3-Related 3-Methylglutaconic Aciduria; Costeff Syndrome. Identifiers: Orphanet 67047, MedGen C0574084, MONDO:0009787, OMIM 258501.

Submission:

Labcorp Genetics (formerly Invitae), Labcorp
Classification: Uncertain significance for 3-Methylglutaconic aciduria type 3; Optic atrophy 3. Last evaluated: 2025-01-20. Review status: criteria provided, single submitter. Criteria: Invitae Variant Classification Sherloc (09022015). Collection method: clinical testing. Allele origin: germline.
Comment: This variant, c.395_400dup, results in the insertion of 2 amino acid(s) of the OPA3 protein (p.Ala132_Leu133dup), but otherwise preserves the integrity of the reading frame. This variant is present in population databases (rs748815011, gnomAD 0.02%). This variant has not been reported in the literature in individuals affected with OPA3-related conditions. Experimental studies and prediction algorithms are not available or were not evaluated, and the functional significance of this variant is currently unknown. In summary, the available evidence is currently insufficient to determine the role of this variant in disease. Therefore, it has been classified as a Variant of Uncertain Significance.

NM_025136.4(OPA3):c.389CGCTGG[3] (p.Leu133_Glu134insAlaLeu)

Genes: OPA3 (outer mitochondrial membrane lipid metabolism regulator OPA3; minus strand), OPA3-RTN2 (OPA3-RTN2 readthrough; minus strand). Cytogenetic location: 19q13.32.
Variant type: Microsatellite.
Coding change: c.389CGCTGG[3] on transcript NM_025136.4 (MANE Select); three copies in a row of the 6-base unit CGCTGG starting at c.389; the reference has two copies in a row; one copy, 6 bases duplicated.
Protein change: p.Leu133_Glu134insAlaLeu.
Molecular consequence: inframe insertion. On other transcripts: intron variant (1).
Genome position (GRCh38, 1-based): chr19:45,553,654-45,553,659, CCAGCG duplicated on the plus strand (CGCTGG on the coding strand, the reverse complement: OPA3 is on the minus strand); duplicating any 6 consecutive bases within chr19:45,553,654-45,553,669 gives the same sequence; the position shown is the placement nearest the transcript's 3' end. VCF-style (leftmost placement, unchanged base first): chr19-45553653-T-TCCAGCG. GRCh37 (hg19) VCF-style: chr19-46056911-T-TCCAGCG.
Other names: c.143-24209CGCTGG[3] (NM_001017989.3).
Identifiers: ClinVar variation 3753686 (VCV003753686.1).